The following is an entry in ClinVar:

NM_001013838.3(CARMIL2):c.2582G>A (p.Arg861Lys)

Gene: CARMIL2 (capping protein regulator and myosin 1 linker 2; plus strand). Cytogenetic location: 16q22.1.
Variant type: single nucleotide variant.
Coding change: c.2582G>A on transcript NM_001013838.3 (MANE Select); coding-DNA position 2582, G replaced by A.
Protein change: p.Arg861Lys; replaces arginine 861 with lysine.
Molecular consequence: missense variant.
Genome position (GRCh38, 1-based): chr16:67,651,839, G>A. VCF-style: chr16-67651839-G-A. GRCh37 (hg19) VCF-style: chr16-67685742-G-A.
Other names: c.2474G>A, p.Arg825Lys (NM_001317026.3); short protein forms R825K, R861K.
Identifiers: ClinVar variation 2781914 (VCV002781914.3), dbSNP rs367950552, ClinGen allele CA396341845.

ClinVar aggregate classification (germline): Uncertain significance (1 of 4 stars; one submission).

gnomAD v4.1: 1 of 1,612,556 alleles (0.000062%); no homozygotes.

Submission:

Labcorp Genetics (formerly Invitae), Labcorp
Classification: Uncertain significance. Last evaluated: 2023-08-10. Review status: criteria provided, single submitter. Criteria: Invitae Variant Classification Sherloc (09022015). Collection method: clinical testing. Allele origin: germline.
Comment: In summary, the available evidence is currently insufficient to determine the role of this variant in disease. Therefore, it has been classified as a Variant of Uncertain Significance. Advanced modeling of protein sequence and biophysical properties (such as structural, functional, and spatial information, amino acid conservation, physicochemical variation, residue mobility, and thermodynamic stability) performed at Invitae indicates that this missense variant is not expected to disrupt CARMIL2 protein function. This variant has not been reported in the literature in individuals affected with CARMIL2-related conditions. This variant is not present in population databases (gnomAD no frequency). This sequence change replaces arginine, which is basic and polar, with lysine, which is basic and polar, at codon 861 of the CARMIL2 protein (p.Arg861Lys).